The following is an entry in ClinVar:

NM_001370298.3(FGD4):c.1404+6A>T

Gene: FGD4 (FYVE, RhoGEF and PH domain containing 4; plus strand). Cytogenetic location: 12p11.21.
Variant type: single nucleotide variant.
Coding change: c.1404+6A>T on transcript NM_001370298.3 (MANE Select); 6 bases into the intron after coding-DNA position 1404, A replaced by T.
Molecular consequence: intron variant.
Genome position (GRCh38, 1-based): chr12:32,602,323, A>T. VCF-style: chr12-32602323-A-T. GRCh37 (hg19) VCF-style: chr12-32755257-A-T.
Other names: c.1404+6A>T (NM_001384126.1); c.1248+6A>T (NM_001304481.2); c.714+6A>T (NM_001330374.2, NM_001330373.2, NM_001384130.1); c.993+6A>T (NM_139241.3, NM_001384127.1, NM_001385118.1 and 1 more transcripts); c.-59+6A>T (NM_001304484.2); c.441+6A>T (NM_001370297.1); c.249+6A>T (NM_001304483.2).
Identifiers: ClinVar variation 1501890 (VCV001501890.6), dbSNP rs2136659955, ClinGen allele CA2573148558.

ClinVar aggregate classification (germline): Uncertain significance (1 of 4 stars; one submission).

Conditions:
Charcot-Marie-Tooth disease type 4. Also called: Charcot-Marie-Tooth disease, type IV; Charcot-Marie-Tooth, Type 4. Identifiers: Orphanet 64749, MedGen C4082197, MONDO:0018995.

Submission:

Labcorp Genetics (formerly Invitae), Labcorp
Classification: Uncertain significance for Charcot-Marie-Tooth disease type 4. Last evaluated: 2021-01-12. Review status: criteria provided, single submitter. Criteria: Invitae Variant Classification Sherloc (09022015). Collection method: clinical testing. Allele origin: germline.
Comment: In summary, the available evidence is currently insufficient to determine the role of this variant in disease. Therefore, it has been classified as a Variant of Uncertain Significance. Nucleotide substitutions within the consensus splice site are a relatively common cause of aberrant splicing (PMID: 17576681, 9536098). Algorithms developed to predict the effect of sequence changes on RNA splicing suggest that this variant is not likely to affect RNA splicing, but this prediction has not been confirmed by published transcriptional studies. This variant has not been reported in the literature in individuals with FGD4-related conditions. This variant is not present in population databases (ExAC no frequency). This sequence change falls in intron 7 of the FGD4 gene. It does not directly change the encoded amino acid sequence of the FGD4 protein. It affects a nucleotide within the consensus splice site of the intron.

Literature cited by the submitters: PubMed 17576681; PubMed 9536098.